The following is an entry in ClinVar:

ClinVar aggregate classification (germline): Pathogenic/Likely pathogenic. Review status: criteria provided, multiple submitters, no conflicts (2 of 4 stars). 2 submissions from 2 submitters: Pathogenic (1); Likely pathogenic (1). Last evaluated 2026-08-18.

Conditions:
Retinitis pigmentosa 80 (RP80). Identifiers: MedGen C4540439, MONDO:0054708, OMIM 617781.
Saldino-Mainzer syndrome (SRTD9). Also called: Renal dysplasia, retinal pigmentary dystrophy, cerebellar ataxia and skeletal dysplasia; CONORENAL SYNDROME; short-rib thoracic dysplasia 9 with or without polydactyly; SHORT-RIB THORACIC DYSPLASIA 9 WITHOUT POLYDACTYLY. Identifiers: Orphanet 140969, MedGen C1849437, MONDO:0009964, OMIM 266920.

Submissions (2):

GeneDx
Classification: Pathogenic. Last evaluated: 2026-08-18. Review status: criteria provided, single submitter. Criteria: GeneDx Variant Classification Process June 2021. Collection method: clinical testing. Allele origin: germline.
Comment: Observed in the heterozygous state in multiple unrelated patients with polycystic kidney disease referred for genetic testing at GeneDx and in published literature (PMID: 39136524); Nonsense variant predicted to result in protein truncation or nonsense mediated decay in a gene for which loss of function is a known mechanism of disease; Not observed at significant frequency in large population cohorts (gnomAD); This variant is associated with the following publications: (PMID: 39136524)

Fulgent Genetics
Classification: Likely pathogenic for Saldino-Mainzer syndrome; Retinitis pigmentosa 80. Last evaluated: 2024-03-05. Review status: criteria provided, single submitter. Criteria: ACMG Guidelines, 2015. Collection method: clinical testing. Allele origin: germline.

NM_014714.4(IFT140):c.2638C>T (p.Gln880Ter)

Gene: IFT140 (intraflagellar transport 140; minus strand). Cytogenetic location: 16p13.3.
Variant type: single nucleotide variant.
Coding change: c.2638C>T on transcript NM_014714.4 (MANE Select); coding-DNA position 2638, C replaced by T.
Protein change: p.Gln880Ter; replaces glutamine 880 with a stop codon.
Molecular consequence: nonsense.
Genome position (GRCh38, 1-based): chr16:1,526,017, G>A on the plus strand (C>T on the coding strand, the complement: IFT140 is on the minus strand). VCF-style: chr16-1526017-G-A. GRCh37 (hg19) VCF-style: chr16-1576018-G-A.
Other names: c.2638C>T (NM_014714.3); short protein forms Q880*.
Identifiers: ClinVar variation 3578502 (VCV003578502.3).